The following is an entry in ClinVar:

NM_182972.3(IRF2BP2):c.453G>C (p.Pro151=)

Genes: IRF2BP2 (interferon regulatory factor 2 binding protein 2; minus strand), LOC129932812 (ATAC-STARR-seq lymphoblastoid silent region 1977; plus strand). Cytogenetic location: 1q42.3.
Variant type: single nucleotide variant.
Coding change: c.453G>C on transcript NM_182972.3 (MANE Select); coding-DNA position 453, G replaced by C.
Protein change: p.Pro151=; no amino-acid change (proline 151 retained).
Molecular consequence: synonymous variant.
Genome position (GRCh38, 1-based): chr1:234,609,042, C>G on the plus strand (G>C on the coding strand, the complement: IRF2BP2 is on the minus strand). VCF-style: chr1-234609042-C-G. GRCh37 (hg19) VCF-style: chr1-234744788-C-G.
Other names: c.453G>C, p.Pro151= (NM_001077397.1).
Identifiers: ClinVar variation 1284977 (VCV001284977.34), dbSNP rs567164754, ClinGen allele CA1461851.
Genomic context (GRCh38, chr1:234,609,042, plus strand): 5'-CAGCTCGGGCGGCTCCTCTAGCTTGGAGAAGCCGTTGGGCACCAGGATGCCGTTCACGGG[C>G]GGCGGCTGCGGCGTCGGCGGCTGGGCCAGGCTCGCTGCCGGGCGGCTGCTGCCGAAGTCA-3'
Protein context (NP_892017.2, residues 141-161): SLAQPPTPQP[Pro151=]PVNGILVPNG

ClinVar aggregate classification (germline): Benign/Likely benign. Review status: criteria provided, multiple submitters, no conflicts (2 of 4 stars). 6 submissions from 6 submitters: Benign (1); Likely benign (3). 2 of the submissions do not count toward it. Last evaluated 2026-03-30.

Allele frequency attached by ClinVar (database versions not stated): 1000 Genomes Project 0.00020; 1000 Genomes Project 30x 0.00031; gnomAD 0.00057.
gnomAD v4.1: 534 of 1,296,552 alleles (0.041%); highest among the groups gnomAD compares: Middle Eastern, 0.38%; 1 homozygote.

Submissions (6):

Women's Health and Genetics/Laboratory Corporation of America, LabCorp
Classification: Benign. Last evaluated: 2026-03-30. Review status: criteria provided, single submitter. Criteria: LabCorp Variant Classification Summary - May 2015. Collection method: clinical testing. Allele origin: germline.

Labcorp Genetics (formerly Invitae), Labcorp
Classification: Likely benign. Last evaluated: 2026-02-01. Review status: criteria provided, single submitter. Criteria: Invitae Variant Classification Sherloc (09022015). Collection method: clinical testing. Allele origin: germline.

Blueprint Genetics
Classification: Likely benign. Last evaluated: 2024-10-21. Review status: criteria provided, single submitter. Criteria: ACMG Guidelines, 2015. Collection method: clinical testing. Allele origin: germline.

CeGaT Center for Human Genetics Tuebingen
Classification: Likely benign. Last evaluated: 2024-01-01. Review status: criteria provided, single submitter. Criteria: CeGaT Center For Human Genetics Tuebingen Variant Classification Criteria Version 2. Collection method: clinical testing. Allele origin: germline. Affected: yes. Observed: 1 variant allele.
Comment: IRF2BP2: BP4, BP7

Clinical Genetics DNA and cytogenetics Diagnostics Lab, Erasmus MC, Erasmus Medical Center
Classification: Likely benign. Review status: no assertion criteria provided. Collection method: clinical testing. Allele origin: germline. Affected: yes. Study: VKGL Data-share Consensus. Not counted in ClinVar's aggregate classification.

Genome Diagnostics Laboratory, University Medical Center Utrecht
Classification: Likely benign. Review status: no assertion criteria provided. Collection method: clinical testing. Allele origin: germline. Affected: yes. Study: VKGL Data-share Consensus. Not counted in ClinVar's aggregate classification.